The following is an entry in ClinVar:

NM_153676.4(USH1C):c.378C>T (p.Val126=)

Gene: USH1C (USH1 protein network component harmonin; minus strand). Cytogenetic location: 11p15.1.
Variant type: single nucleotide variant.
Coding change: c.378C>T on transcript NM_153676.4 (MANE Select); coding-DNA position 378, C replaced by T.
Protein change: p.Val126=; no amino-acid change (valine 126 retained).
Molecular consequence: synonymous variant. On other transcripts: non-coding transcript variant (1).
Genome position (GRCh38, 1-based): chr11:17,531,163, G>A on the plus strand (C>T on the coding strand, the complement: USH1C is on the minus strand). VCF-style: chr11-17531163-G-A. GRCh37 (hg19) VCF-style: chr11-17552710-G-A.
Other names: c.378C>T, p.Val126= (NM_001297764.2, NM_005709.4); c.378C>T (NM_153676.3).
Identifiers: ClinVar variation 1100700 (VCV001100700.12), dbSNP rs369375384, ClinGen allele CA5905084.

ClinVar aggregate classification (germline): Likely benign. Review status: criteria provided, multiple submitters, no conflicts (2 of 4 stars). 3 submissions from 3 submitters: Likely benign (2). 1 of the submissions does not count toward it. Last evaluated 2026-01-20.

Conditions:
USH1C-related disorder. Also called: USH1C-related condition.

Allele frequency attached by ClinVar (database versions not stated): gnomAD 0.00005 and 0.00008; TOPMed 0.00006; ExAC 0.00008; gnomAD exomes 0.00008; ESP Exome Variant Server 0.00023.
gnomAD v4.1: 124 of 1,613,960 alleles (0.0077%); highest among the groups gnomAD compares: South Asian, 0.025%; no homozygotes.

Submissions (3):

Labcorp Genetics (formerly Invitae), Labcorp
Classification: Likely benign. Last evaluated: 2026-01-20. Review status: criteria provided, single submitter. Criteria: Invitae Variant Classification Sherloc (09022015). Collection method: clinical testing. Allele origin: germline.

Blueprint Genetics
Classification: Likely benign. Last evaluated: 2022-04-29. Review status: criteria provided, single submitter. Criteria: ACMG Guidelines, 2015. Collection method: clinical testing. Allele origin: germline.

PreventionGenetics, part of Exact Sciences
Classification: Likely benign for USH1C-related condition. Last evaluated: 2024-02-20. Review status: no assertion criteria provided. Collection method: clinical testing. Allele origin: germline. Not counted in ClinVar's aggregate classification.
Comment: This variant is classified as likely benign based on ACMG/AMP sequence variant interpretation guidelines (Richards et al. 2015 PMID: 25741868, with internal and published modifications).